The following is an entry in ClinVar:

NM_052947.4(ALPK2):c.5455A>G (p.Ile1819Val)

Gene: ALPK2 (alpha kinase 2; minus strand). Cytogenetic location: 18q21.31.
Variant type: single nucleotide variant.
Coding change: c.5455A>G on transcript NM_052947.4 (MANE Select); coding-DNA position 5455, A replaced by G.
Protein change: p.Ile1819Val; replaces isoleucine 1819 with valine.
Molecular consequence: missense variant.
Genome position (GRCh38, 1-based): chr18:58,529,137, T>C on the plus strand (A>G on the coding strand, the complement: ALPK2 is on the minus strand). VCF-style: chr18-58529137-T-C. GRCh37 (hg19) VCF-style: chr18-56196369-T-C.
Other names: short protein forms I1819V.
Identifiers: ClinVar variation 2561814 (VCV002561814.2), dbSNP rs1343967524, ClinGen allele CA402553829.

ClinVar aggregate classification (germline): Uncertain significance (1 of 4 stars; one submission).

Allele frequency attached by ClinVar (database versions not stated): TOPMed below 0.00001; gnomAD 0.00001.
gnomAD v4.1: 3 of 1,613,182 alleles (0.00019%); highest among the groups gnomAD compares: Non-Finnish European, 0.00025%; no homozygotes.

Submission:

Ambry Genetics
Classification: Uncertain significance. Last evaluated: 2023-05-30. Review status: criteria provided, single submitter. Criteria: Ambry Variant Classification Scheme 2023. Collection method: clinical testing. Allele origin: germline.
Comment: The p.I1819V variant (also known as c.5455A>G), located in coding exon 5 of the ALPK2 gene, results from an A to G substitution at nucleotide position 5455. The isoleucine at codon 1819 is replaced by valine, an amino acid with highly similar properties. This amino acid position is conserved. In addition, this alteration is predicted to be tolerated by in silico analysis. Since supporting evidence is limited at this time, the clinical significance of this alteration remains unclear.